The following is an entry in ClinVar:

ClinVar aggregate classification (germline): Uncertain significance (1 of 4 stars; one submission).

Submission:

GeneDx
Classification: Uncertain significance. Last evaluated: 2026-03-27. Review status: criteria provided, single submitter. Criteria: GeneDx Variant Classification Process June 2021. Collection method: clinical testing. Allele origin: germline.
Comment: In silico analysis supports that this missense variant has a deleterious effect on protein structure/function; Not observed at significant frequency in large population cohorts (gnomAD); Has not been previously published as pathogenic or benign to our knowledge

NM_007363.5(NONO):c.1049G>A (p.Arg350His)

Gene: NONO (non-POU domain containing octamer binding; plus strand). Cytogenetic location: Xq13.1.
Variant type: single nucleotide variant.
Coding change: c.1049G>A on transcript NM_007363.5 (MANE Select); coding-DNA position 1049, G replaced by A.
Protein change: p.Arg350His; replaces arginine 350 with histidine.
Molecular consequence: missense variant.
Genome position (GRCh38, 1-based): chrX:71,297,856, G>A. VCF-style: chrX-71297856-G-A. GRCh37 (hg19) VCF-style: chrX-70517706-G-A.
Other names: c.1049G>A, p.Arg350His (NM_001145408.2, NM_001145409.2); c.782G>A, p.Arg261His (NM_001145410.2); short protein forms R261H, R350H.
Identifiers: ClinVar variation 3903168 (VCV003903168.2).
Genomic context (GRCh38, chrX:71,297,856, plus strand): 5'-GAAATGCCTCTGTCTTAAATACATTGGTGACTCTCTGTAGGCAGGAGGAAGAGCGCAGGC[G>A]CCGTGAAGAAGAGATGCGGCGGCAGCAAGAAGAAATGATGCGGCGACAGCAGGAAGGATT-3'
Protein context (NP_031389.3, residues 340-360): LELRQEEERR[Arg350His]REEEMRRQQE